The following is an entry in ClinVar:

NM_030632.3(ASXL3):c.2731G>A (p.Val911Met)

Gene: ASXL3 (ASXL transcriptional regulator 3; plus strand). Cytogenetic location: 18q12.1.
Variant type: single nucleotide variant.
Coding change: c.2731G>A on transcript NM_030632.3 (MANE Select); coding-DNA position 2731, G replaced by A.
Protein change: p.Val911Met; replaces valine 911 with methionine.
Molecular consequence: missense variant.
Genome position (GRCh38, 1-based): chr18:33,740,135, G>A. VCF-style: chr18-33740135-G-A. GRCh37 (hg19) VCF-style: chr18-31320099-G-A.
Other names: short protein forms V911M.
Identifiers: ClinVar variation 1261189 (VCV001261189.35), dbSNP rs201107680, ClinGen allele CA8933962.

ClinVar aggregate classification (germline): Benign/Likely benign. Review status: criteria provided, multiple submitters, no conflicts (2 of 4 stars). 7 submissions from 7 submitters: Benign (5); Likely benign (1). 1 of the submissions does not count toward it. Last evaluated 2026-09-01.

Conditions:
Bainbridge-Ropers syndrome. Also called: Severe feeding difficulties-failure to thrive-microcephaly due to ASXL3 deficiency syndrome. Identifiers: Orphanet 352577, MedGen C4750837, MONDO:0014205, OMIM 615485.
ASXL3-related disorder. Also called: ASXL3-related condition. Identifiers: MedGen CN381524.

Allele frequency attached by ClinVar (database versions not stated): gnomAD 0.00061 and 0.00060; TOPMed 0.00076; gnomAD exomes 0.00097 and 0.00087; 1000 Genomes Project 30x 0.00047; 1000 Genomes Project 0.00040; ESP Exome Variant Server 0.00109.
gnomAD v4.1: 1,366 of 1,613,900 alleles (0.085%); highest among the groups gnomAD compares: Middle Eastern, 0.74%; 7 homozygotes.

Submissions (7):

CeGaT Center for Human Genetics Tuebingen
Classification: Likely benign. Last evaluated: 2026-09-01. Review status: criteria provided, single submitter. Criteria: CeGaT Center For Human Genetics Tuebingen Variant Classification Criteria Version 2. Collection method: clinical testing. Allele origin: germline. Affected: yes. Observed: 6 variant alleles.
Comment: ASXL3: BP4, BS1

Blueprint Genetics
Classification: Benign. Last evaluated: 2024-10-16. Review status: criteria provided, single submitter. Criteria: ACMG Guidelines, 2015. Collection method: clinical testing. Allele origin: germline.

Genome-Nilou Lab
Classification: Benign for Bainbridge-Ropers syndrome. Last evaluated: 2021-12-05. Review status: criteria provided, single submitter. Criteria: ACMG Guidelines, 2015. Collection method: clinical testing. Allele origin: germline. Affected: no.

Genetic Services Laboratory, University of Chicago
Classification: Benign. Last evaluated: 2020-08-07. Review status: criteria provided, single submitter. Criteria: ACMG Guidelines, 2015. Collection method: clinical testing. Allele origin: germline. Affected: no.

GeneDx
Classification: Benign. Last evaluated: 2019-01-18. Review status: criteria provided, single submitter. Criteria: GeneDx Variant Classification Process June 2021. Collection method: clinical testing. Allele origin: germline. Affected: yes.

Breakthrough Genomics
Classification: Benign. Review status: criteria provided, single submitter. Criteria: ACMG Guidelines, 2015. Collection method: not provided. Allele origin: germline. Inheritance: Autosomal dominant inheritance. Affected: yes.

PreventionGenetics, part of Exact Sciences
Classification: Likely benign for ASXL3-related condition. Last evaluated: 2019-06-17. Review status: no assertion criteria provided. Collection method: clinical testing. Allele origin: germline. Not counted in ClinVar's aggregate classification.
Comment: This variant is classified as likely benign based on ACMG/AMP sequence variant interpretation guidelines (Richards et al. 2015 PMID: 25741868, with internal and published modifications).